The following is an entry in ClinVar:

NC_000001.10:g.(?_216495205)_(216497057_?)del

Gene: USH2A (usherin; minus strand). Cytogenetic location: 1q41.
Variant type: Deletion.
Identifiers: ClinVar variation 1459579 (VCV001459579.7).

ClinVar aggregate classification (germline): Pathogenic (1 of 4 stars; one submission).

Submission:

Labcorp Genetics (formerly Invitae), Labcorp
Classification: Pathogenic. Last evaluated: 2023-08-03. Review status: criteria provided, single submitter. Criteria: Invitae Variant Classification Sherloc (09022015). Collection method: clinical testing. Allele origin: germline.
Comment: This variant is a gross deletion of the genomic region encompassing exon(s) 8-9 of the USH2A gene. This deletion is out-of-frame, and is expected to create a premature termination codon and result in an absent or disrupted protein product. Loss-of-function variants in USH2A are known to be pathogenic (PMID: 10729113, 10909849, 20507924, 25649381). For these reasons, this variant has been classified as Pathogenic. This variant has not been reported in the literature in individuals affected with USH2A-related conditions.

Literature cited by the submitters: PubMed 10729113; PubMed 10909849; PubMed 20507924; PubMed 25649381.